The following is an entry in ClinVar:

NM_023110.3(FGFR1):c.454G>T (p.Ala152Ser)

Gene: FGFR1 (fibroblast growth factor receptor 1; minus strand). Cytogenetic location: 8p11.23.
Variant type: single nucleotide variant.
Coding change: c.454G>T on transcript NM_023110.3 (MANE Select); coding-DNA position 454, G replaced by T.
Protein change: p.Ala152Ser; replaces alanine 152 with serine.
Molecular consequence: missense variant.
Genome position (GRCh38, 1-based): chr8:38,428,088, C>A on the plus strand (G>T on the coding strand, the complement: FGFR1 is on the minus strand). VCF-style: chr8-38428088-C-A. GRCh37 (hg19) VCF-style: chr8-38285606-C-A.
Other names: c.454G>T, p.Ala152Ser (NM_001174063.2); c.430G>T, p.Ala144Ser (NM_001174064.2); c.448G>T, p.Ala150Ser (NM_001174065.2, NM_001354367.2, NM_001354369.2 and 2 more transcripts); c.187G>T, p.Ala63Ser (NM_001174066.2, NM_023105.3); c.547G>T, p.Ala183Ser (NM_001174067.2); c.181G>T, p.Ala61Ser (NM_001354368.2, NM_001354370.2, NM_023106.3); short protein forms A63S, A152S, A183S, A144S, A150S, A61S.
Identifiers: ClinVar variation 4788644 (VCV004788644.2).

ClinVar aggregate classification (germline): Uncertain significance. Review status: criteria provided, multiple submitters, no conflicts (2 of 4 stars). 2 submissions from 2 submitters: Uncertain significance (2). Last evaluated 2025-09-09.

Conditions:
FGFR1-related disorder. Also called: FGFR1-related disorders; FGFR1-related condition. Identifiers: MedGen CN380097.
Pfeiffer syndrome (ACS5). Also called: ACS V. Identifiers: Orphanet 710, MedGen C0220658, MONDO:0007043, OMIM 101600.
Hypogonadotropic hypogonadism 2 with or without anosmia (HH2). Also called: HYPOGONADOTROPIC HYPOGONADISM 2 WITHOUT ANOSMIA; HYPOGONADOTROPIC HYPOGONADISM 2 WITH OR WITHOUT ANOSMIA, SUSCEPTIBILITY TO; HYPOGONADOTROPIC HYPOGONADISM 2 WITHOUT ANOSMIA, SUSCEPTIBILITY TO; FGFR1-Related GnRH Deficiency (Kallmann Syndrome 2). Identifiers: Orphanet 478, MedGen C1563720, MONDO:0007844, OMIM 147950. Disease mechanism: loss of function.

gnomAD v4.1: 4 of 1,614,188 alleles (0.00025%); highest among the groups gnomAD compares: Admixed American, 0.005%; no homozygotes.

Submissions (2):

Labcorp Genetics (formerly Invitae), Labcorp
Classification: Uncertain significance for Pfeiffer syndrome; Hypogonadotropic hypogonadism 2 with or without anosmia. Last evaluated: 2025-09-09. Review status: criteria provided, single submitter. Criteria: Invitae Variant Classification Sherloc (09022015). Collection method: clinical testing. Allele origin: germline.
Comment: This sequence change replaces alanine, which is neutral and non-polar, with serine, which is neutral and polar, at codon 152 of the FGFR1 protein (p.Ala152Ser). This variant is present in population databases (no rsID available, gnomAD 0.009%). This variant has not been reported in the literature in individuals affected with FGFR1-related conditions. Invitae Evidence Modeling of protein sequence and biophysical properties (such as structural, functional, and spatial information, amino acid conservation, physicochemical variation, residue mobility, and thermodynamic stability) indicates that this missense variant is not expected to disrupt FGFR1 protein function with a negative predictive value of 80%. In summary, the available evidence is currently insufficient to determine the role of this variant in disease. Therefore, it has been classified as a Variant of Uncertain Significance.

PreventionGenetics, part of Exact Sciences
Classification: Uncertain significance for FGFR1-related condition. Last evaluated: 2025-06-13. Review status: criteria provided, single submitter. Criteria: ACMG Guidelines, 2015. Collection method: clinical testing. Allele origin: germline.
Comment: The FGFR1 c.454G>T variant is predicted to result in the amino acid substitution p.Ala152Ser. To our knowledge, this variant has not been reported in the literature. This variant is reported in 0.0087% of alleles in individuals of Latino descent in gnomAD. Alternative substitutions of this amino acid (p.Ala152Thr & p.Ala152Pro) have been reported in one individual with hypotelorism, submucous cleft palate, single central Incisor, and choanal stenosis (reported as de novo in Table S1, Tekendo-Ngongang et al. 2020. PubMed ID: 32022405) and in another individual with hypophosphatemia (Table S2, Rush et al. 2022. PubMed ID: 34633109). At this time, the clinical significance of this variant is uncertain due to the absence of conclusive functional and genetic evidence.